The following is an entry in ClinVar:

ClinVar aggregate classification (germline): Pathogenic (1 of 4 stars; one submission).

Conditions:
Deficiency of alpha-mannosidase (MANSA). Also called: Mannosidosis, alpha-, types I and II; LYSOSOMAL ALPHA-D-MANNOSIDASE DEFICIENCY; Alpha-Mannosidosis. Identifiers: Orphanet 61, MedGen C0024748, MONDO:0009561, OMIM 248500.

Submission:

Labcorp Genetics (formerly Invitae), Labcorp
Classification: Pathogenic for Deficiency of alpha-mannosidase. Last evaluated: 2020-04-13. Review status: criteria provided, single submitter. Criteria: Invitae Variant Classification Sherloc (09022015). Collection method: clinical testing. Allele origin: germline.
Comment: This sequence change creates a premature translational stop signal (p.Thr163Serfs*25) in the MAN2B1 gene. It is expected to result in an absent or disrupted protein product. This variant is not present in population databases (ExAC no frequency). This variant has been observed in individual(s) with alpha-mannosidosis (PMID: 22161967). Loss-of-function variants in MAN2B1 are known to be pathogenic (PMID: 9915946, 22161967). For these reasons, this variant has been classified as Pathogenic.

Literature cited by the submitters: PubMed 22161967; PubMed 9915946.

NM_000528.4(MAN2B1):c.484_487dup (p.Thr163fs)

Gene: MAN2B1 (mannosidase alpha class 2B member 1; minus strand). Cytogenetic location: 19p13.13.
Variant type: Duplication.
Coding change: c.484_487dup on transcript NM_000528.4 (MANE Select); coding-DNA positions 484 to 487, 4 bases duplicated (GCCA; older notation c.484_487dupGCCA).
Protein change: p.Thr163fs; shifts the reading frame from threonine 163.
Molecular consequence: frameshift variant.
Genome position (GRCh38, 1-based): chr19:12,664,935-12,664,938, TGGC duplicated on the plus strand (GCCA on the coding strand, the reverse complement: MAN2B1 is on the minus strand); duplicating any 4 consecutive bases within chr19:12,664,935-12,664,940 gives the same sequence; the c. name uses the placement nearest the transcript's 3' end. VCF-style (leftmost placement, unchanged base first): chr19-12664934-G-GTGGC. GRCh37 (hg19) VCF-style: chr19-12775748-G-GTGGC.
Other names: c.484_487dup, p.Thr163fs (NM_001173498.2); short protein forms T163fs.
Identifiers: ClinVar variation 1074138 (VCV001074138.9), dbSNP rs2145287284, ClinGen allele CA2499225365.